The following is an entry in ClinVar:

ClinVar aggregate classification (germline): Uncertain significance (1 of 4 stars; one submission).

Submission:

Ambry Genetics
Classification: Uncertain significance. Last evaluated: 2026-05-23. Review status: criteria provided, single submitter. Criteria: Ambry Variant Classification Scheme 2023. Collection method: clinical testing. Allele origin: germline.
Comment: The p.P2066S variant (also known as c.6196C>T), located in coding exon 25 of the WNK2 gene, results from a C to T substitution at nucleotide position 6196. The proline at codon 2066 is replaced by serine, an amino acid with similar properties. This amino acid position is conserved. In addition, the in silico prediction for this alteration is inconclusive. Based on the available evidence, the clinical significance of this variant remains unclear.

NM_006648.4(WNK2):c.6196C>T (p.Pro2066Ser)

Gene: WNK2 (WNK lysine deficient protein kinase 2; plus strand). Cytogenetic location: 9q22.31.
Variant type: single nucleotide variant.
Coding change: c.6196C>T on transcript NM_006648.4 (MANE Select); coding-DNA position 6196, C replaced by T.
Protein change: p.Pro2066Ser; replaces proline 2066 with serine.
Molecular consequence: missense variant.
Genome position (GRCh38, 1-based): chr9:93,300,131, C>T. VCF-style: chr9-93300131-C-T. GRCh37 (hg19) VCF-style: chr9-96062413-C-T.
Other names: c.6307C>T, p.Pro2103Ser (NM_001282394.3); short protein forms P2066S, P2103S.
Identifiers: ClinVar variation 4866696 (VCV004866696.1).